The following is an entry in ClinVar:

NM_001103.4(ACTN2):c.241G>C (p.Gly81Arg)

Gene: ACTN2 (actinin alpha 2; plus strand). Cytogenetic location: 1q43.
Variant type: single nucleotide variant.
Coding change: c.241G>C on transcript NM_001103.4 (MANE Select); coding-DNA position 241, G replaced by C.
Protein change: p.Gly81Arg; replaces glycine 81 with arginine.
Molecular consequence: missense variant. On other transcripts: 5 prime UTR variant (1).
Genome position (GRCh38, 1-based): chr1:236,717,972, G>C. VCF-style: chr1-236717972-G-C. GRCh37 (hg19) VCF-style: chr1-236881272-G-C.
Other names: c.241G>C, p.Gly81Arg (NM_001278343.2); c.-581G>C (NM_001278344.2); c.-706G>C (NM_001412150.1); short protein forms G81R.
Identifiers: ClinVar variation 1791000 (VCV001791000.2), dbSNP rs2527534972, ClinGen allele CA345373432.
Genomic context (GRCh38, chr1:236,717,972, plus strand): 5'-AACATCGAGGAAGACTTCAGGAATGGCCTTAAGCTCATGCTGCTTTTGGAAGTCATCTCA[G>C]GTTGGTGTTATATATCCCATCCTATGCTTTCATGTGTTATCAGTAGGTGAGCATCTATTT-3'
Protein context (NP_001094.1, residues 71-91): KLMLLLEVIS[Gly81Arg]ERLPKPDRGK

ClinVar aggregate classification (germline): Uncertain significance (1 of 4 stars; one submission).

Conditions:
Cardiovascular phenotype. Identifiers: MedGen CN230736.

Submission:

Ambry Genetics
Classification: Uncertain significance for Cardiovascular phenotype. Last evaluated: 2021-06-28. Review status: criteria provided, single submitter. Criteria: Ambry Variant Classification Scheme 2023. Collection method: clinical testing. Allele origin: germline.
Comment: The c.241G>C variant (also known as p.G81R), located in coding exon 2 of the ACTN2 gene, results from a G to C substitution at nucleotide position 241. The glycine at codon 81 is replaced by arginine, an amino acid with dissimilar properties. However, this change occurs in the last base pair of coding exon 2, which makes it likely to have some effect on normal mRNA splicing. This nucleotide position is highly conserved in available vertebrate species. This amino acid position is highly conserved in available vertebrate species. In silico splice site analysis predicts that this alteration will weaken the native splice donor site and will result in the creation or strengthening of a novel splice donor site. In addition, as a missense substitution this is predicted to be deleterious by in silico analysis. Since supporting evidence is limited at this time and loss of function of ACTN2 has not been clearly established as a mechanism of disease, the clinical significance of this alteration remains unclear.